The following is an entry in ClinVar:

ClinVar aggregate classification (germline): Uncertain significance (1 of 4 stars; one submission).

Conditions:
Intellectual disability. Also called: Intellectual developmental disorder; Intellectual functioning disability; intellectual disabilities. Identifiers: MedGen C3714756, MeSH D008607, MONDO:0001071, HP:0001249.

Allele frequency attached by ClinVar (database versions not stated): ExAC 0.00006; gnomAD 0.00005; TOPMed 0.00005.
gnomAD v4.1: 104 of 1,588,638 alleles (0.0065%); highest among the groups gnomAD compares: Middle Eastern, 0.016%; no homozygotes.

Submission:

Center of Genomic medicine, Geneva, University Hospital of Geneva
Classification: Uncertain significance for Intellectual disability. Last evaluated: 2017-01-12. Review status: criteria provided, single submitter. Criteria: ACMG Guidelines, 2015. Collection method: clinical testing. Allele origin: inherited. Affected: yes.

NM_001519.4(BRF1):c.471+143G>T

Gene: BRF1 (BRF1 general transcription factor IIIB subunit; minus strand). Cytogenetic location: 14q32.33.
Variant type: single nucleotide variant.
Coding change: c.471+143G>T on transcript NM_001519.4 (MANE Select); 143 bases into the intron after coding-DNA position 471, G replaced by T.
Molecular consequence: intron variant. On other transcripts: missense variant (1).
Genome position (GRCh38, 1-based): chr14:105,256,375, C>A on the plus strand (G>T on the coding strand, the complement: BRF1 is on the minus strand). VCF-style: chr14-105256375-C-A. GRCh37 (hg19) VCF-style: chr14-105722712-C-A.
Other names: c.614G>T, p.Trp205Leu (NM_001242790.2); c.126+143G>T (NM_001242787.2, NM_001242786.2); c.390+143G>T (NM_001242788.2); short protein forms W205L.
Identifiers: ClinVar variation 437404 (VCV000437404.2), dbSNP rs754629781, ClinGen allele CA7388075.